The following is an entry in ClinVar:

NM_019888.3(MC3R):c.261_264del (p.Ser88fs)

Gene: MC3R (melanocortin 3 receptor; plus strand). Cytogenetic location: 20q13.2.
Variant type: Deletion.
Coding change: c.261_264del on transcript NM_019888.3 (MANE Select); coding-DNA positions 261 to 264, 4 bases deleted (AAGT; older notation c.261_264delAAGT).
Protein change: p.Ser88fs; shifts the reading frame from serine 88.
Molecular consequence: frameshift variant.
Genome position (GRCh38, 1-based): chr20:56,249,104-56,249,107, AAGT deleted; deleting any 4 consecutive bases within chr20:56,249,102-56,249,107 gives the same sequence; the c. name uses the placement nearest the transcript's 3' end. VCF-style (leftmost placement, unchanged base first): chr20-56249101-GGTAA-G. GRCh37 (hg19) VCF-style: chr20-54824157-GGTAA-G.
Other names: c.261_264delAAGT (NM_019888.3); short protein forms S88fs.
Identifiers: ClinVar variation 4986893 (VCV004986893.1).

ClinVar aggregate classification (germline): Uncertain significance (1 of 4 stars; one submission).

Conditions:
MC3R-related disorder. Also called: MC3R-related condition.

Submission:

PreventionGenetics, part of Exact Sciences
Classification: Uncertain significance for MC3R-related condition. Last evaluated: 2026-09-26. Review status: criteria provided, single submitter. Criteria: ACMG Guidelines, 2015. Collection method: clinical testing. Allele origin: germline.
Comment: The MC3R c.261_264delAAGT variant is predicted to result in a frameshift and premature protein termination (p.Ser88Cysfs*9). To our knowledge, this variant has not been reported in the literature. This variant is reported in 0.0080% of alleles in individuals of African descent in gnomAD. A very small number of early termination changes in this gene have been reported in individuals with obesity. Yet, gnomAD restraint scores indicate that this gene is tolerant to early termination changes overall. At this time, the clinical significance of this variant is uncertain due to the absence of conclusive functional and genetic evidence.